The following is an entry in ClinVar:

ClinVar aggregate classification (germline): Benign (1 of 4 stars; one submission).

Conditions:
Breast-ovarian cancer, familial, susceptibility to, 2 (BROVCA2). Also called: BRCA2 Hereditary Breast and Ovarian Cancer. Identifiers: Orphanet 145, MedGen C2675520, MONDO:0012933, OMIM 612555. Disease mechanism: loss of function.

gnomAD v4.1: 2 of 1,459,384 alleles (0.00014%); highest among the groups gnomAD compares: Non-Finnish European, 0.00019%; no homozygotes.

Submission:

Dipartimento Di Medicina Di Precisione, Università Degli Studi Della Campania Luigi Vanvitelli
Classification: Benign for Breast-ovarian cancer, familial, susceptibility to, 2. Last evaluated: 2025-07-18. Review status: criteria provided, single submitter. Criteria: ACMG Guidelines, 2015. Collection method: clinical testing. Allele origin: germline. Affected: yes. Observed: 1 heterozygote.
Comment: The CHEK2 c.593-15T>G variant is located in intron 4, between exon 4 and exon 5 of the NM_007194.4 transcript. It is a deep intronic variant, positioned 15 nucleotides upstream of the exon 5 splice acceptor site. Since it lies outside the canonical splice site regions, it is unlikely to directly impact mRNA splicing. In silico analysis using REVEL and BayesDel predicts a benign effect, suggesting minimal impact on protein function. Based on current evidence, it can be classified as likely benign.

Literature cited by the submitters: DOI 10.3390/ijms26135928.

NM_007194.4(CHEK2):c.593-15T>G

Gene: CHEK2 (checkpoint kinase 2; minus strand). Cytogenetic location: 22q12.1.
Variant type: single nucleotide variant.
Coding change: c.593-15T>G on transcript NM_007194.4 (MANE Select); 15 bases into the intron before coding-DNA position 593, T replaced by G.
Molecular consequence: intron variant.
Genome position (GRCh38, 1-based): chr22:28,719,500, A>C on the plus strand (T>G on the coding strand, the complement: CHEK2 is on the minus strand). VCF-style: chr22-28719500-A-C. GRCh37 (hg19) VCF-style: chr22-29115488-A-C.
Other names: c.-71-15T>G (NM_001437942.1, NM_001257387.3); c.482+5386T>G (NM_001349956.3); c.593-15T>G (NM_145862.3); c.686-15T>G (NM_001438295.1, NM_001438293.1); c.722-15T>G (NM_001438294.1, NM_001005735.3).
Identifiers: ClinVar variation 4073513 (VCV004073513.1).